The following is an entry in ClinVar:

NC_000023.11:g.156023032T>C

Variant type: single nucleotide variant.
Genome position: GRCh38 VCF-style: chrX-156023032-T-C. GRCh37 (hg19) VCF-style: chrX-155252697-T-C.
Identifiers: ClinVar variation 3024664 (VCV003024664.22), dbSNP rs1368740310, ClinGen allele CA519383589.

ClinVar aggregate classification (germline): Likely benign (1 of 4 stars; one submission).

Submission:

CeGaT Center for Human Genetics Tuebingen
Classification: Likely benign. Last evaluated: 2025-04-01. Review status: criteria provided, single submitter. Criteria: CeGaT Center For Human Genetics Tuebingen Variant Classification Criteria Version 2. Collection method: clinical testing. Allele origin: germline. Affected: yes. Observed: 3 variant alleles.
Comment: WASH6P: BP4, BP7